The following is an entry in ClinVar:

ClinVar aggregate classification (germline): Pathogenic (1 of 4 stars; one submission).

Conditions:
Autosomal recessive spinocerebellar ataxia 12. Also called: SPINOCEREBELLAR ATAXIA WITH MENTAL RETARDATION AND EPILEPSY. Identifiers: Orphanet 284282, MedGen C3280452, MONDO:0013687, OMIM 614322.
Developmental and epileptic encephalopathy, 1 (DEE1). Also called: X-linked infantile spasms; West's syndrome; Tonic spasms with clustering, arrest of psychomotor development and hypsarrhythmia on EEG; X-Linked Infantile Spasm Syndrome; OHTAHARA SYNDROME, X-LINKED; INFANTILE SPASM SYNDROME, X-LINKED 1. Identifiers: MedGen C3463992, MONDO:0010632, OMIM 308350. Disease mechanism: loss of function.

Submission:

Labcorp Genetics (formerly Invitae), Labcorp
Classification: Pathogenic for Developmental and epileptic encephalopathy, 1; Autosomal recessive spinocerebellar ataxia 12. Last evaluated: 2023-05-16. Review status: criteria provided, single submitter. Criteria: Invitae Variant Classification Sherloc (09022015). Collection method: clinical testing. Allele origin: unknown.
Comment: This variant is a gross deletion of the genomic region encompassing exon(s) 6-9 of the WWOX gene, which includes the termination codon. This deletion extends beyond the assayed region for this gene and therefore may encompass additional genes. While this deletion is not anticipated to lead to nonsense mediated decay, it is expected to alter mRNA translation or result in a truncated protein product. This variant has not been reported in the literature in individuals affected with WWOX-related conditions. This variant disrupts a region of the WWOX protein in which other variant(s) (p.Gly372*) have been determined to be pathogenic (PMID: 31780880; Invitae). This suggests that this is a clinically significant region of the protein, and that variants that disrupt it are likely to be disease-causing. For these reasons, this variant has been classified as Pathogenic.

Literature cited by the submitters: PubMed 31780880.

NC_000016.9:g.(?_78420737)_(81991603_?)del

Genes: ATMIN (ATM interactor; plus strand), BCO1 (beta-carotene oxygenase 1; plus strand), C16orf46 (chromosome 16 open reading frame 46; minus strand), CDYL2 (chromodomain Y like 2; minus strand), CENPN (centromere protein N; plus strand) and 9 more. Cytogenetic location: 16q23.1-23.3.
Variant type: Deletion.
Identifiers: ClinVar variation 3243515 (VCV003243515.1).